The following is an entry in ClinVar:

NM_000316.3(PTH1R):c.928A>G (p.Ile310Val)

Gene: PTH1R (parathyroid hormone 1 receptor; plus strand). Cytogenetic location: 3p21.31.
Variant type: single nucleotide variant.
Coding change: c.928A>G on transcript NM_000316.3 (MANE Select); coding-DNA position 928, A replaced by G.
Protein change: p.Ile310Val; replaces isoleucine 310 with valine.
Molecular consequence: missense variant.
Genome position (GRCh38, 1-based): chr3:46,899,396, A>G. VCF-style: chr3-46899396-A-G. GRCh37 (hg19) VCF-style: chr3-46940886-A-G.
Other names: c.928A>G, p.Ile310Val (NM_001184744.1); c.928A>G (NM_000316.2); short protein forms I310V.
Identifiers: ClinVar variation 1432528 (VCV001432528.9), dbSNP rs374853100, ClinGen allele CA2359348.

ClinVar aggregate classification (germline): Uncertain significance. Review status: criteria provided, multiple submitters, no conflicts (2 of 4 stars). 2 submissions from 2 submitters: Uncertain significance (2). Last evaluated 2025-11-21.

Conditions:
Inborn genetic diseases. Identifiers: MedGen C0950123, MeSH D030342.

Allele frequency attached by ClinVar (database versions not stated): gnomAD exomes 0.00001; TOPMed 0.00001; ExAC 0.00002; ESP Exome Variant Server 0.00008.

Submissions (2):

Ambry Genetics
Classification: Uncertain significance for Inborn genetic diseases. Last evaluated: 2025-11-21. Review status: criteria provided, single submitter. Criteria: Ambry Variant Classification Scheme 2023. Collection method: clinical testing. Allele origin: germline.

Labcorp Genetics (formerly Invitae), Labcorp
Classification: Uncertain significance. Last evaluated: 2025-09-11. Review status: criteria provided, single submitter. Criteria: Invitae Variant Classification Sherloc (09022015). Collection method: clinical testing. Allele origin: germline.
Comment: This sequence change replaces isoleucine, which is neutral and non-polar, with valine, which is neutral and non-polar, at codon 310 of the PTH1R protein (p.Ile310Val). This variant is present in population databases (rs374853100, gnomAD 0.006%). This variant has not been reported in the literature in individuals affected with PTH1R-related conditions. ClinVar contains an entry for this variant (Variation ID: 1432528). Invitae Evidence Modeling of protein sequence and biophysical properties (such as structural, functional, and spatial information, amino acid conservation, physicochemical variation, residue mobility, and thermodynamic stability) indicates that this missense variant is not expected to disrupt PTH1R protein function with a negative predictive value of 80%. In summary, the available evidence is currently insufficient to determine the role of this variant in disease. Therefore, it has been classified as a Variant of Uncertain Significance.